The following is an entry in ClinVar:

ClinVar aggregate classification (germline): Pathogenic (1 of 4 stars; one submission).

Conditions:
Transcobalamin II deficiency (TCN2D). Also called: TC II DEFICIENCY; TCN2 DEFICIENCY; Transcolabamin II deficiency. Identifiers: Orphanet 859, MedGen C0342701, MONDO:0010149, OMIM 275350.

Submission:

Labcorp Genetics (formerly Invitae), Labcorp
Classification: Pathogenic for Transcobalamin II deficiency. Last evaluated: 2022-10-27. Review status: criteria provided, single submitter. Criteria: Invitae Variant Classification Sherloc (09022015). Collection method: clinical testing. Allele origin: germline.
Comment: For these reasons, this variant has been classified as Pathogenic. This variant has not been reported in the literature in individuals affected with TCN2-related conditions. This variant is not present in population databases (gnomAD no frequency). This sequence change creates a premature translational stop signal (p.Arg140Serfs*5) in the TCN2 gene. It is expected to result in an absent or disrupted protein product. Loss-of-function variants in TCN2 are known to be pathogenic (PMID: 7980584, 20352340).

Literature cited by the submitters: PubMed 7980584; PubMed 20352340.

NM_000355.4(TCN2):c.420_421del (p.Arg140fs)

Gene: TCN2 (transcobalamin 2; plus strand). Cytogenetic location: 22q12.2.
Variant type: Microsatellite.
Coding change: c.420_421del on transcript NM_000355.4 (MANE Select); coding-DNA positions 420 to 421, 2 bases deleted (AG; older notation c.420_421delAG).
Protein change: p.Arg140fs; shifts the reading frame from arginine 140.
Molecular consequence: frameshift variant. On other transcripts: intron variant (1).
Genome position (GRCh38, 1-based): chr22:30,613,035-30,613,036, AG deleted; deleting any 2 consecutive bases within chr22:30,613,031-30,613,036 gives the same sequence; the c. name uses the placement nearest the transcript's 3' end. VCF-style (leftmost placement, unchanged base first): chr22-30613030-AAG-A. GRCh37 (hg19) VCF-style: chr22-31009017-AAG-A.
Other names: c.346+70AG[2] (NM_001184726.2); short protein forms R140fs.
Identifiers: ClinVar variation 2810295 (VCV002810295.3), dbSNP rs2517903801, ClinGen allele CA2739267901.
Genomic context (GRCh38, chr22:30,613,030, plus strand): 5'-GTCAGGGGCCACAAGGGGGACAGGCTGGTCTCACAGCTCAAATGGTTCCTGGAGGATGAG[AAG>A]AGAGCCATTGGTGAGCAGACACCATCCGCTGGGGGTGGGGAGCAGCTGGGAGGGCTCATC-3'